The following is an entry in ClinVar:

NM_000535.7(PMS2):c.1199A>C (p.Gln400Pro)

Gene: PMS2 (PMS1 homolog 2, mismatch repair system component; minus strand). Cytogenetic location: 7p22.1.
Variant type: single nucleotide variant.
Coding change: c.1199A>C on transcript NM_000535.7 (MANE Select); coding-DNA position 1199, A replaced by C.
Protein change: p.Gln400Pro; replaces glutamine 400 with proline.
Molecular consequence: missense variant. On other transcripts: non-coding transcript variant (1).
Genome position (GRCh38, 1-based): chr7:5,987,566, T>G on the plus strand (A>C on the coding strand, the complement: PMS2 is on the minus strand). VCF-style: chr7-5987566-T-G. GRCh37 (hg19) VCF-style: chr7-6027197-T-G.
Other names: c.794A>C, p.Gln265Pro (NM_001322003.2, NM_001322004.2, NM_001322005.2 and 1 more transcripts); c.1043A>C, p.Gln348Pro (NM_001322006.2); c.881A>C, p.Gln294Pro (NM_001322007.2, NM_001322008.2); c.638A>C, p.Gln213Pro (NM_001322010.2); c.266A>C, p.Gln89Pro (NM_001322011.2, NM_001322012.2); c.626A>C, p.Gln209Pro (NM_001322013.2); c.1199A>C, p.Gln400Pro (NM_001322014.2); c.890A>C, p.Gln297Pro (NM_001322015.2); short protein forms Q400P, Q89P, Q209P, Q213P, Q265P, Q294P, Q297P, Q348P.
Identifiers: ClinVar variation 142625 (VCV000142625.31), dbSNP rs148069478, ClinGen allele CA009315.

ClinVar aggregate classification (germline): Conflicting classifications of pathogenicity. Review status: criteria provided, conflicting classifications (1 of 4 stars). 8 submissions from 8 submitters: Uncertain significance (2); Benign (2); Likely benign (4). Last evaluated 2026-04-02.

Conditions:
PMS2-related disorder. Also called: PMS2-related condition.
Hereditary nonpolyposis colorectal neoplasms. Identifiers: MedGen C0009405, MeSH D003123.
Hereditary cancer-predisposing syndrome. Also called: Tumor predisposition; Neoplastic Syndromes, Hereditary; Hereditary neoplastic syndrome; Hereditary Cancer Syndrome. Identifiers: Orphanet 140162, MedGen C0027672, MeSH D009386, MONDO:0015356.

Allele frequency attached by ClinVar (database versions not stated): gnomAD exomes 0.00008; ExAC 0.00010; 1000 Genomes Project 0.00020; 1000 Genomes Project 30x 0.00031; ESP Exome Variant Server 0.00039; TOPMed 0.00041; gnomAD 0.00043 and 0.00045.

Submissions (8):

PreventionGenetics, part of Exact Sciences
Classification: Likely benign for PMS2-related condition. Last evaluated: 2026-04-02. Review status: criteria provided, single submitter. Criteria: ACMG Guidelines, 2015. Collection method: clinical testing. Allele origin: germline.
Comment: This variant is classified as likely benign based on ACMG/AMP sequence variant interpretation guidelines (Richards et al. 2015 PMID: 25741868, with internal and published modifications).

Labcorp Genetics (formerly Invitae), Labcorp
Classification: Benign for Hereditary nonpolyposis colorectal neoplasms. Last evaluated: 2026-01-26. Review status: criteria provided, single submitter. Criteria: Invitae Variant Classification Sherloc (09022015). Collection method: clinical testing. Allele origin: germline.

Color Diagnostics, LLC DBA Color Health
Classification: Benign for Hereditary cancer-predisposing syndrome. Last evaluated: 2024-10-17. Review status: criteria provided, single submitter. Criteria: ACMG Guidelines, 2015. Collection method: clinical testing. Allele origin: germline.

Women's Health and Genetics/Laboratory Corporation of America, LabCorp
Classification: Likely benign. Last evaluated: 2023-11-05. Review status: criteria provided, single submitter. Criteria: LabCorp Variant Classification Summary - May 2015. Collection method: clinical testing. Allele origin: germline.

GeneDx
Classification: Uncertain significance. Last evaluated: 2022-01-06. Review status: criteria provided, single submitter. Criteria: GeneDx Variant Classification Process June 2021. Collection method: clinical testing. Allele origin: germline. Affected: yes.
Comment: In silico analysis supports that this missense variant does not alter protein structure/function; Observed in an individual with early-onset colorectal cancer whose tumor demonstrated normal expression of mismatch repair proteins on immunohistochemistry (Pearlman 2017); This variant is associated with the following publications: (PMID: 22675565, 29596542, 27978560)

Sema4
Classification: Uncertain significance for Hereditary cancer-predisposing syndrome. Last evaluated: 2021-11-06. Review status: criteria provided, single submitter. Criteria: Sema4 Curation Guidelines. Collection method: curation. Allele origin: germline.
Comment: The PMS2 c.1199A>C (p.Q400P) variant has been reported in heterozygosity in at least 1 individual with colorectal cancer with a MMR proficient tumor (PMID: 27978560). This variant was observed in 26/23710 chromosomes in the African population, with no homozygotes, according to the Genome Aggregation Database (PMID: 27535533). This variant has been reported in ClinVar (Variation ID 142625). Functional studies have not been performed, and in silico predictions of the variant's effect on protein function are inconclusive. The overall evidence is insufficient to meet ACMG/AMP criteria for classifying it as benign or pathogenic. In summary, the clinical significance of this variant is currently uncertain.

Quest Diagnostics Nichols Institute San Juan Capistrano
Classification: Likely benign. Last evaluated: 2020-04-08. Review status: criteria provided, single submitter. Criteria: Quest Diagnostics criteria. Collection method: clinical testing. Allele origin: unknown.

Ambry Genetics
Classification: Likely benign for Hereditary cancer-predisposing syndrome. Last evaluated: 2020-01-06. Review status: criteria provided, single submitter. Criteria: Ambry Variant Classification Scheme 2023. Collection method: clinical testing. Allele origin: germline.

Literature cited by the submitters: PubMed 22675565 (cited by Women's Health and Genetics/Laboratory Corporation of America, LabCorp and Quest Diagnostics Nichols Institute San Juan Capistrano); PubMed 27978560 (cited by 3 submitters).